The following is an entry in ClinVar:

NM_177550.5(SLC13A5):c.944C>T (p.Ala315Val)

Gene: SLC13A5 (solute carrier family 13 member 5; minus strand). Cytogenetic location: 17p13.1.
Variant type: single nucleotide variant.
Coding change: c.944C>T on transcript NM_177550.5 (MANE Select); coding-DNA position 944, C replaced by T.
Protein change: p.Ala315Val; replaces alanine 315 with valine.
Molecular consequence: missense variant.
Genome position (GRCh38, 1-based): chr17:6,695,837, G>A on the plus strand (C>T on the coding strand, the complement: SLC13A5 is on the minus strand). VCF-style: chr17-6695837-G-A. GRCh37 (hg19) VCF-style: chr17-6599156-G-A.
Other names: c.944C>T, p.Ala315Val (NM_001143838.3); c.893C>T, p.Ala298Val (NM_001284509.2); c.815C>T, p.Ala272Val (NM_001284510.2); short protein forms A315V, A272V, A298V.
Identifiers: ClinVar variation 581306 (VCV000581306.8), dbSNP rs138841868, ClinGen allele CA8331565.

ClinVar aggregate classification (germline): Uncertain significance. Review status: criteria provided, multiple submitters, no conflicts (2 of 4 stars). 2 submissions from 2 submitters: Uncertain significance (2). Last evaluated 2024-09-09.

Conditions:
Developmental and epileptic encephalopathy, 25 (DEE25). Also called: Epileptic encephalopathy, early infantile, 25; Developmental and epileptic encephalopathy 25, with amelogenesis imperfecta; Epileptic encephalopathy, early infantile, 25, with amelogenesis imperfecta. Identifiers: Orphanet 442835, MedGen C4014621, MONDO:0014392, OMIM 615905.

Allele frequency attached by ClinVar (database versions not stated): gnomAD 0.00001; gnomAD exomes 0.00001; ExAC 0.00002; TOPMed 0.00002; ESP Exome Variant Server 0.00008.
gnomAD v4.1: 12 of 1,614,016 alleles (0.00074%); highest among the groups gnomAD compares: East Asian, 0.0045%; no homozygotes.

Submissions (2):

Blueprint Genetics
Classification: Uncertain significance. Last evaluated: 2024-09-09. Review status: criteria provided, single submitter. Criteria: ACMG Guidelines, 2015. Collection method: clinical testing. Allele origin: germline.

Labcorp Genetics (formerly Invitae), Labcorp
Classification: Uncertain significance for Developmental and epileptic encephalopathy, 25. Last evaluated: 2022-12-02. Review status: criteria provided, single submitter. Criteria: Invitae Variant Classification Sherloc (09022015). Collection method: clinical testing. Allele origin: germline.
Comment: Advanced modeling of protein sequence and biophysical properties (such as structural, functional, and spatial information, amino acid conservation, physicochemical variation, residue mobility, and thermodynamic stability) has been performed at Invitae for this missense variant, however the output from this modeling did not meet the statistical confidence thresholds required to predict the impact of this variant on SLC13A5 protein function. ClinVar contains an entry for this variant (Variation ID: 581306). This variant has not been reported in the literature in individuals affected with SLC13A5-related conditions. This variant is present in population databases (rs138841868, gnomAD 0.007%). This sequence change replaces alanine, which is neutral and non-polar, with valine, which is neutral and non-polar, at codon 315 of the SLC13A5 protein (p.Ala315Val). In summary, the available evidence is currently insufficient to determine the role of this variant in disease. Therefore, it has been classified as a Variant of Uncertain Significance.